The following is an entry in ClinVar:

NM_001205293.3(CACNA1E):c.2795A>T (p.Glu932Val)

Gene: CACNA1E (calcium voltage-gated channel subunit alpha1 E; plus strand). Cytogenetic location: 1q25.3.
Variant type: single nucleotide variant.
Coding change: c.2795A>T on transcript NM_001205293.3 (MANE Select); coding-DNA position 2795, A replaced by T.
Protein change: p.Glu932Val; replaces glutamic acid 932 with valine.
Molecular consequence: missense variant.
Genome position (GRCh38, 1-based): chr1:181,732,881, A>T. VCF-style: chr1-181732881-A-T. GRCh37 (hg19) VCF-style: chr1-181702017-A-T.
Other names: c.2795A>T, p.Glu932Val (NM_000721.4); c.2738A>T, p.Glu913Val (NM_001205294.2); short protein forms E913V, E932V.
Identifiers: ClinVar variation 3633674 (VCV003633674.2).
Genomic context (GRCh38, chr1:181,732,881, plus strand): 5'-CCAGGCACAGGCAGAGCCAACGGCGCAGCCGGCATCGCCGCGTCAGGACAGAAGGCAAGG[A>T]GTCCTCTTCAGCCTCCCGGAGCAGGTCTGCCAGCCAGGAACGCAGTCTGGATGAAGCCAT-3'
Protein context (NP_001192222.1, residues 922-942): RHRRVRTEGK[Glu932Val]SSSASRSRSA

ClinVar aggregate classification (germline): Uncertain significance (1 of 4 stars; one submission).

gnomAD v4.1: 1 of 1,614,016 alleles (0.000062%); highest among the groups gnomAD compares: Non-Finnish European, 0.000085%; no homozygotes.

Submission:

Labcorp Genetics (formerly Invitae), Labcorp
Classification: Uncertain significance. Last evaluated: 2024-07-01. Review status: criteria provided, single submitter. Criteria: Invitae Variant Classification Sherloc (09022015). Collection method: clinical testing. Allele origin: germline.
Comment: This sequence change replaces glutamic acid, which is acidic and polar, with valine, which is neutral and non-polar, at codon 932 of the CACNA1E protein (p.Glu932Val). This variant is present in population databases (no rsID available, gnomAD 0.0009%). This variant has not been reported in the literature in individuals affected with CACNA1E-related conditions. Advanced modeling of protein sequence and biophysical properties (such as structural, functional, and spatial information, amino acid conservation, physicochemical variation, residue mobility, and thermodynamic stability) performed at Invitae indicates that this missense variant is not expected to disrupt CACNA1E protein function with a negative predictive value of 95%. In summary, the available evidence is currently insufficient to determine the role of this variant in disease. Therefore, it has been classified as a Variant of Uncertain Significance.